The following is an entry in ClinVar:

NM_004183.4(BEST1):c.38G>A (p.Arg13His)

Gene: BEST1 (bestrophin 1; plus strand). Cytogenetic location: 11q12.3.
Variant type: single nucleotide variant.
Coding change: c.38G>A on transcript NM_004183.4 (MANE Select); coding-DNA position 38, G replaced by A.
Protein change: p.Arg13His; replaces arginine 13 with histidine.
Molecular consequence: missense variant. On other transcripts: non-coding transcript variant (1), intron variant (6).
Genome position (GRCh38, 1-based): chr11:61,951,844, G>A. VCF-style: chr11-61951844-G-A. GRCh37 (hg19) VCF-style: chr11-61719316-G-A.
Other names: c.38G>A, p.Arg13His (NM_001363592.2, NM_001440571.1, NM_001440572.1 and 1 more transcripts); c.-29+1417G>A (NM_001139443.3, NM_001300787.2, NM_001440574.1 and 3 more transcripts); short protein forms R13H.
Identifiers: ClinVar variation 99717 (VCV000099717.15), dbSNP rs281865209, ClinGen allele CA227774.

ClinVar aggregate classification (germline): Pathogenic/Likely pathogenic. Review status: criteria provided, multiple submitters, no conflicts (2 of 4 stars). 8 submissions from 8 submitters: Pathogenic (5); Likely pathogenic (2). 1 of the submissions does not count toward it. Last evaluated 2025-04-04.

Conditions:
BEST1-related disorder. Also called: BEST1-related disorders; BEST1-related condition. Identifiers: MedGen CN239200.
Retinal dystrophy. Also called: Inherited retinal dystrophy. Identifiers: Orphanet 71862, MedGen C0854723, MeSH D058499, MONDO:0019118, HP:0000556.
Autosomal dominant vitreoretinochoroidopathy. Also called: VITREORETINOCHOROIDOPATHY WITH MICROCORNEA, GLAUCOMA, AND CATARACT; VITREORETINOCHOROIDOPATHY, AUTOSOMAL DOMINANT, WITH NANOPHTHALMOS; Autosomal Dominant Vitreoretinochoroidopathy (ADVIRC). Identifiers: Orphanet 263347, Orphanet 3086, MedGen C3888099, MONDO:0008662, OMIM 193220.
Vitelliform macular dystrophy 2. Also called: MACULAR DEGENERATION, POLYMORPHIC VITELLINE; VITELLIFORM MACULAR DYSTROPHY, EARLY-ONSET; VITELLIFORM MACULAR DYSTROPHY, JUVENILE-ONSET; Best Vitelliform Macular Dystrophy (BVMD); Best vitelliform macular dystrophy, multifocal; Best Macular Dystrophy. Identifiers: Orphanet 1243, MedGen C2745945, MONDO:0007931, OMIM 153700.
Autosomal recessive bestrophinopathy. Also called: Autosomal Recessive Bestrophinopathy (ARB). Identifiers: Orphanet 139455, MedGen C3888198, MONDO:0012733, OMIM 611809.
Retinitis pigmentosa 50 (RP50). Also called: Retinitis pigmentosa, concentric. Identifiers: Orphanet 791, MedGen C2750789, MONDO:0013175, OMIM 613194.

Allele frequency attached by ClinVar (database versions not stated): ExAC 0.00001; gnomAD 0.00001; gnomAD exomes 0.00001.
gnomAD v4.1: 9 of 1,613,434 alleles (0.00056%); highest among the groups gnomAD compares: South Asian, 0.0066%; no homozygotes.

Submissions (8):

Revvity Omics, Revvity
Classification: Likely pathogenic. Last evaluated: 2025-04-04. Review status: criteria provided, single submitter. Criteria: ACMG Guidelines, 2015. Collection method: clinical testing. Allele origin: germline.

3billion
Classification: Pathogenic for Autosomal recessive bestrophinopathy. Last evaluated: 2024-11-25. Review status: criteria provided, single submitter. Criteria: ACMG Guidelines, 2015. Collection method: clinical testing. Allele origin: germline. Affected: yes.
Comment: The variant is observed at an extremely low frequency in the gnomAD v4.1.0 dataset (total allele frequency: <0.001%). Predicted Consequence/Location: The variant is located in a mutational hot spot and/or well-established functional domain in which established pathogenic variants have been reported. In silico tool predictions suggest damaging effect of the variant on gene or gene product [REVEL: 0.72 (>=0.6, sensitivity 0.68 and specificity 0.92); 3Cnet: 0.78 (>=0.6, sensitivity 0.72 and precision 0.9)]. The same nucleotide change resulting in the same amino acid change has been previously reported as pathogenic/likely pathogenic with strong evidence (ClinVar ID: VCV000099717 /PMID: 10331951). Different missense changes at the same codon (p.Arg13Cys, p.Arg13Gly, p.Arg13Pro) have been reported as pathogenic/likely pathogenic with strong evidence (ClinVar ID: VCV000279701, VCV000424977, VCV000444253 /PMID: 21273940, 34327816). Therefore, this variant is classified as Pathogenic according to the recommendation of ACMG/AMP guideline.

Labcorp Genetics (formerly Invitae), Labcorp
Classification: Pathogenic. Last evaluated: 2024-08-23. Review status: criteria provided, single submitter. Criteria: Invitae Variant Classification Sherloc (09022015). Collection method: clinical testing. Allele origin: germline.
Comment: This sequence change replaces arginine, which is basic and polar, with histidine, which is basic and polar, at codon 13 of the BEST1 protein (p.Arg13His). This variant is present in population databases (rs281865209, gnomAD 0.01%). This missense change has been observed in individual(s) with autosomal recessive bestrinopathy (PMID: 25489231, 30593719, 31519547). In at least one individual the data is consistent with being in trans (on the opposite chromosome) from a pathogenic variant. It has also been observed to segregate with disease in related individuals. This variant has been reported in individual(s) with autosomal dominant Best vitelliform macular dystrophy (PMID: 10331951, 25489231); however, the role of the variant in this condition is currently unclear. ClinVar contains an entry for this variant (Variation ID: 99717). Invitae Evidence Modeling of protein sequence and biophysical properties (such as structural, functional, and spatial information, amino acid conservation, physicochemical variation, residue mobility, and thermodynamic stability) indicates that this missense variant is expected to disrupt BEST1 protein function with a positive predictive value of 95%. For these reasons, this variant has been classified as Pathogenic.

GeneDx
Classification: Pathogenic. Last evaluated: 2023-11-30. Review status: criteria provided, single submitter. Criteria: GeneDx Variant Classification Process June 2021. Collection method: clinical testing. Allele origin: germline. Affected: yes.
Comment: In silico analysis supports that this missense variant has a deleterious effect on protein structure/function; This variant is associated with the following publications: (PMID: 31519547, 30593719, 28056057, 25489231, 37747403, 30498755, 10331951, 28687848)

Blueprint Genetics
Classification: Pathogenic for BEST1-related disorders. Last evaluated: 2023-07-07. Review status: criteria provided, single submitter. Criteria: ACMG Guidelines, 2015. Collection method: clinical testing. Allele origin: germline. Affected: yes. Observed: 5 variant alleles.

Institute of Human Genetics, Univ. Regensburg, Univ. Regensburg
Classification: Likely pathogenic for Retinal dystrophy. Last evaluated: 2020-01-01. Review status: criteria provided, single submitter. Criteria: ACMG Guidelines, 2015. Collection method: clinical testing. Allele origin: germline. Affected: yes.

Juno Genomics, Hangzhou Juno Genomics, Inc
Classification: Pathogenic for Autosomal dominant vitreoretinochoroidopathy; Autosomal recessive bestrophinopathy; Vitelliform macular dystrophy 2; Retinitis pigmentosa 50. Review status: criteria provided, single submitter. Criteria: ACMG Guidelines, 2015. Collection method: clinical testing. Allele origin: germline.
Comment: Absent from controls (or at extremely low frequency if recessive) in Genome Aggregation Database.;Multiple lines of computational evidence support a deleterious effect on the gene or gene product.;For recessive disorders, detected in trans with a pathogenic variant.;Patient's phenotype or family history is highly specific for a disease with a single genetic etiology.;The prevalence of the variant in affected individuals is significantly increased compared to the prevalence in controls.;Co-segregation with disease in multiple affected family members.

Retina International
No classification provided. Review status: no classification provided. Collection method: not provided. Allele origin: not provided. Not counted in ClinVar's aggregate classification.

Literature cited by the submitters: PubMed 21273940 (cited by 3billion); PubMed 10331951 (cited by 3 submitters); PubMed 25489231 (cited by Labcorp Genetics (formerly Invitae), Labcorp and Institute of Human Genetics, Univ. Regensburg, Univ. Regensburg); PubMed 30593719 (cited by Labcorp Genetics (formerly Invitae), Labcorp and Institute of Human Genetics, Univ. Regensburg, Univ. Regensburg); PubMed 31519547 (cited by Labcorp Genetics (formerly Invitae), Labcorp and Institute of Human Genetics, Univ. Regensburg, Univ. Regensburg); PubMed 28687848 (cited by Institute of Human Genetics, Univ. Regensburg, Univ. Regensburg); PubMed 28056057 (cited by Institute of Human Genetics, Univ. Regensburg, Univ. Regensburg); PubMed 30498755 (cited by Institute of Human Genetics, Univ. Regensburg, Univ. Regensburg).